The following is an entry in ClinVar:

NM_002439.5(MSH3):c.680G>A (p.Ser227Asn)

Gene: MSH3 (mutS homolog 3; plus strand). Cytogenetic location: 5q14.1.
Variant type: single nucleotide variant.
Coding change: c.680G>A on transcript NM_002439.5 (MANE Select); coding-DNA position 680, G replaced by A.
Protein change: p.Ser227Asn; replaces serine 227 with asparagine.
Molecular consequence: missense variant.
Genome position (GRCh38, 1-based): chr5:80,670,197, G>A. VCF-style: chr5-80670197-G-A. GRCh37 (hg19) VCF-style: chr5-79966016-G-A.
Other names: short protein forms S227N.
Identifiers: ClinVar variation 1755570 (VCV001755570.8), dbSNP rs775409796, ClinGen allele CA360266736.

ClinVar aggregate classification (germline): Uncertain significance. Review status: criteria provided, multiple submitters, no conflicts (2 of 4 stars). 2 submissions from 2 submitters: Uncertain significance (2). Last evaluated 2026-01-26.

Conditions:
Hereditary cancer-predisposing syndrome. Also called: Neoplastic Syndromes, Hereditary; Tumor predisposition; Hereditary Cancer Syndrome; Hereditary neoplastic syndrome. Identifiers: Orphanet 140162, MedGen C0027672, MeSH D009386, MONDO:0015356.

Allele frequency attached by ClinVar (database versions not stated): gnomAD 0.00001.
gnomAD v4.1: 1 of 1,613,952 alleles (0.000062%); highest among the groups gnomAD compares: African/African-American, 0.0013%; no homozygotes.

Submissions (2):

Labcorp Genetics (formerly Invitae), Labcorp
Classification: Uncertain significance. Last evaluated: 2026-01-26. Review status: criteria provided, single submitter. Criteria: Invitae Variant Classification Sherloc (09022015). Collection method: clinical testing. Allele origin: germline.
Comment: This sequence change replaces serine, which is neutral and polar, with asparagine, which is neutral and polar, at codon 227 of the MSH3 protein (p.Ser227Asn). This variant is present in population databases (no rsID available, gnomAD 0.01%). This variant has not been reported in the literature in individuals affected with MSH3-related conditions. ClinVar contains an entry for this variant (Variation ID: 1755570). An algorithm developed to predict the effect of missense changes on protein structure and function (PolyPhen-2) suggests that this variant is likely to be disruptive. In summary, the available evidence is currently insufficient to determine the role of this variant in disease. Therefore, it has been classified as a Variant of Uncertain Significance.

Ambry Genetics
Classification: Uncertain significance for Hereditary cancer-predisposing syndrome. Last evaluated: 2025-11-02. Review status: criteria provided, single submitter. Criteria: Ambry Variant Classification Scheme 2023. Collection method: clinical testing. Allele origin: germline.
Comment: The p.S227N variant (also known as c.680G>A), located in coding exon 4 of the MSH3 gene, results from a G to A substitution at nucleotide position 680. The serine at codon 227 is replaced by asparagine, an amino acid with highly similar properties. This amino acid position is conserved. In addition, this alteration is predicted to be tolerated by in silico analysis. Since supporting evidence is limited at this time, the clinical significance of this alteration remains unclear.